The following is an entry in ClinVar:

NM_032043.3(BRIP1):c.1384G>C (p.Glu462Gln)

Gene: BRIP1 (BRCA1 interacting DNA helicase 1; minus strand). Cytogenetic location: 17q23.2.
Variant type: single nucleotide variant.
Coding change: c.1384G>C on transcript NM_032043.3 (MANE Select); coding-DNA position 1384, G replaced by C.
Protein change: p.Glu462Gln; replaces glutamic acid 462 with glutamine.
Molecular consequence: missense variant.
Genome position (GRCh38, 1-based): chr17:61,793,686, C>G on the plus strand (G>C on the coding strand, the complement: BRIP1 is on the minus strand). VCF-style: chr17-61793686-C-G. GRCh37 (hg19) VCF-style: chr17-59871047-C-G.
Other names: short protein forms E462Q.
Identifiers: ClinVar variation 819053 (VCV000819053.11), dbSNP rs1603340353, ClinGen allele CA400482232.

ClinVar aggregate classification (germline): Uncertain significance. Review status: criteria provided, multiple submitters, no conflicts (2 of 4 stars). 2 submissions from 2 submitters: Uncertain significance (2). Last evaluated 2022-04-08.

Conditions:
Familial cancer of breast. Also called: Hereditary breast cancer; hereditary breast carcinoma; BREAST CANCER, FAMILIAL. Identifiers: Orphanet 227535, MedGen C0346153, MONDO:0016419, OMIM 114480. Disease mechanism: loss of function.
Fanconi anemia complementation group J. Also called: BRIP1-Related Fanconi Anemia. Identifiers: Orphanet 84, MedGen C1836860, MONDO:0012187, OMIM 609054.
Hereditary cancer-predisposing syndrome. Also called: Hereditary Cancer Syndrome; Neoplastic Syndromes, Hereditary; Hereditary neoplastic syndrome; Tumor predisposition. Identifiers: Orphanet 140162, MedGen C0027672, MeSH D009386, MONDO:0015356.

Submissions (2):

Labcorp Genetics (formerly Invitae), Labcorp
Classification: Uncertain significance for Familial cancer of breast; Fanconi anemia complementation group J. Last evaluated: 2022-04-08. Review status: criteria provided, single submitter. Criteria: Invitae Variant Classification Sherloc (09022015). Collection method: clinical testing. Allele origin: germline.
Comment: In summary, the available evidence is currently insufficient to determine the role of this variant in disease. Therefore, it has been classified as a Variant of Uncertain Significance. Algorithms developed to predict the effect of missense changes on protein structure and function are either unavailable or do not agree on the potential impact of this missense change (SIFT: "Tolerated"; PolyPhen-2: "Probably Damaging"; Align-GVGD: "Class C0"). ClinVar contains an entry for this variant (Variation ID: 819053). This variant has not been reported in the literature in individuals affected with BRIP1-related conditions. This variant is not present in population databases (gnomAD no frequency). This sequence change replaces glutamic acid, which is acidic and polar, with glutamine, which is neutral and polar, at codon 462 of the BRIP1 protein (p.Glu462Gln).

Ambry Genetics
Classification: Uncertain significance for Hereditary cancer-predisposing syndrome. Last evaluated: 2018-04-13. Review status: criteria provided, single submitter. Criteria: Ambry Variant Classification Scheme 2023. Collection method: clinical testing. Allele origin: germline.
Comment: The p.E462Q variant (also known as c.1384G>C), located in coding exon 9 of the BRIP1 gene, results from a G to C substitution at nucleotide position 1384. The glutamic acid at codon 462 is replaced by glutamine, an amino acid with highly similar properties. This amino acid position is highly conserved in available vertebrate species. In addition, the in silico prediction for this alteration is inconclusive. Since supporting evidence is limited at this time, the clinical significance of this alteration remains unclear.